The following is an entry in ClinVar:

NM_006662.3(SRCAP):c.8522C>T (p.Pro2841Leu)

Gene: SRCAP (Snf2 related CREBBP activator protein; plus strand). Cytogenetic location: 16p11.2.
Variant type: single nucleotide variant.
Coding change: c.8522C>T on transcript NM_006662.3 (MANE Select); coding-DNA position 8522, C replaced by T.
Protein change: p.Pro2841Leu; replaces proline 2841 with leucine.
Molecular consequence: missense variant.
Genome position (GRCh38, 1-based): chr16:30,738,562, C>T. VCF-style: chr16-30738562-C-T. GRCh37 (hg19) VCF-style: chr16-30749883-C-T.
Other names: c.8522C>T (NM_006662.2); short protein forms P2841L.
Identifiers: ClinVar variation 3580238 (VCV003580238.2).

ClinVar aggregate classification (germline): Uncertain significance. Review status: criteria provided, multiple submitters, no conflicts (2 of 4 stars). 2 submissions from 2 submitters: Uncertain significance (2). Last evaluated 2024-08-16.

Conditions:
Developmental delay, hypotonia, musculoskeletal defects, and behavioral abnormalities. Identifiers: MedGen C5562012, MONDO:0859202, OMIM 619595.
Floating-Harbor syndrome (FLHS). Also called: SRCAP-Related Floating-Harbor Syndrome; Short stature with delayed bone age, expressive language delay, a triangular face with a prominent nose and deep-set eyes; Pelletier-Leisti syndrome. Identifiers: Orphanet 2044, MedGen C0729582, MONDO:0007621, OMIM 136140.

gnomAD v4.1: 2 of 1,610,642 alleles (0.00012%); highest among the groups gnomAD compares: Non-Finnish European, 0.00017%; no homozygotes.

Submissions (2):

GeneDx
Classification: Uncertain significance. Last evaluated: 2024-08-16. Review status: criteria provided, single submitter. Criteria: GeneDx Variant Classification Process June 2021. Collection method: clinical testing. Allele origin: germline. Affected: yes.
Comment: Not observed at significant frequency in large population cohorts (gnomAD); In silico analysis supports that this missense variant has a deleterious effect on protein structure/function; Has not been previously published as pathogenic or benign to our knowledge

Fulgent Genetics
Classification: Uncertain significance for Floating-Harbor syndrome; Developmental delay, hypotonia, musculoskeletal defects, and behavioral abnormalities. Last evaluated: 2024-04-10. Review status: criteria provided, single submitter. Criteria: ACMG Guidelines, 2015. Collection method: clinical testing. Allele origin: germline.